The following is an entry in ClinVar:

ClinVar aggregate classification (germline): Uncertain significance (1 of 4 stars; one submission).

Conditions:
Inborn genetic diseases. Identifiers: MedGen C0950123, MeSH D030342.

gnomAD v4.1: 1 of 1,613,996 alleles (0.000062%); highest among the groups gnomAD compares: Non-Finnish European, 0.000085%; no homozygotes.

Submission:

Ambry Genetics
Classification: Uncertain significance for Inborn genetic diseases. Last evaluated: 2025-06-28. Review status: criteria provided, single submitter. Criteria: Ambry Variant Classification Scheme 2023. Collection method: clinical testing. Allele origin: germline.
Comment: The p.K76N variant (also known as c.228A>C), located in coding exon 2 of the ERCC6L2 gene, results from an A to C substitution at nucleotide position 228. The lysine at codon 76 is replaced by asparagine, an amino acid with similar properties. This amino acid position is conserved. In addition, this alteration is predicted to be tolerated by in silico analysis. Based on the available evidence, the clinical significance of this variant remains unclear.

NM_020207.7(ERCC6L2):c.228A>C (p.Lys76Asn)

Gene: ERCC6L2 (ERCC excision repair 6 like 2; plus strand). Cytogenetic location: 9q22.32.
Variant type: single nucleotide variant.
Coding change: c.228A>C on transcript NM_020207.7 (MANE Select); coding-DNA position 228, A replaced by C.
Protein change: p.Lys76Asn; replaces lysine 76 with asparagine.
Molecular consequence: missense variant. On other transcripts: non-coding transcript variant (1).
Genome position (GRCh38, 1-based): chr9:95,881,050, A>C. VCF-style: chr9-95881050-A-C. GRCh37 (hg19) VCF-style: chr9-98643332-A-C.
Other names: c.228A>C, p.Lys76Asn (NM_001010895.4, NM_001375291.1, NM_001375292.1 and 2 more transcripts); short protein forms K76N.
Identifiers: ClinVar variation 4250563 (VCV004250563.1).